The following is an entry in ClinVar:

ClinVar aggregate classification (germline): Uncertain significance. Review status: criteria provided, multiple submitters, no conflicts (2 of 4 stars). 2 submissions from 2 submitters: Uncertain significance (2). Last evaluated 2026-01-05.

gnomAD v4.1: 4 of 1,613,842 alleles (0.00025%); highest among the groups gnomAD compares: South Asian, 0.0044%; no homozygotes.

Submissions (2):

Labcorp Genetics (formerly Invitae), Labcorp
Classification: Uncertain significance. Last evaluated: 2026-01-05. Review status: criteria provided, single submitter. Criteria: Invitae Variant Classification Sherloc (09022015). Collection method: clinical testing. Allele origin: germline.
Comment: This sequence change replaces serine, which is neutral and polar, with arginine, which is basic and polar, at codon 46 of the FH protein (p.Ser46Arg). This variant is present in population databases (no rsID available, gnomAD 0.006%). This variant has not been reported in the literature in individuals affected with FH-related conditions. Invitae Evidence Modeling of protein sequence and biophysical properties (such as structural, functional, and spatial information, amino acid conservation, physicochemical variation, residue mobility, and thermodynamic stability) indicates that this missense variant is not expected to disrupt FH protein function with a negative predictive value of 95%. In summary, the available evidence is currently insufficient to determine the role of this variant in disease. Therefore, it has been classified as a Variant of Uncertain Significance.

Dasa
Classification: Uncertain significance. Last evaluated: 2025-05-31. Review status: criteria provided, single submitter. Criteria: DASA Assertion Criteria. Collection method: clinical testing. Allele origin: germline.
Comment: NM_000143.4(FH):c.138C>G (p.Ser46Arg) is a missense variant that results in the substitution of serine with arginine. This variant has been observed in affected individuals with FH-related disorders. Also, this variant is rare in population databases. Computational prediction algorithms are consistent with a deleterious effect. The currently available literature and clinical evidence are not sufficient to establish a definitive association between this variant and the reported condition. Therefore, this variant is classified as a variant of uncertain significance.

NM_000143.4(FH):c.138C>G (p.Ser46Arg)

Gene: FH (fumarate hydratase; minus strand). Cytogenetic location: 1q43.
Variant type: single nucleotide variant.
Coding change: c.138C>G on transcript NM_000143.4 (MANE Select); coding-DNA position 138, C replaced by G.
Protein change: p.Ser46Arg; replaces serine 46 with arginine.
Molecular consequence: missense variant.
Genome position (GRCh38, 1-based): chr1:241,517,311, G>C on the plus strand (C>G on the coding strand, the complement: FH is on the minus strand). VCF-style: chr1-241517311-G-C. GRCh37 (hg19) VCF-style: chr1-241680611-G-C.
Other names: short protein forms S46R.
Identifiers: ClinVar variation 4772677 (VCV004772677.3).